The following is an entry in ClinVar:

NM_004655.4(AXIN2):c.1801G>T (p.Gly601Cys)

Gene: AXIN2 (axin 2; minus strand). Cytogenetic location: 17q24.1.
Variant type: single nucleotide variant.
Coding change: c.1801G>T on transcript NM_004655.4 (MANE Select); coding-DNA position 1801, G replaced by T.
Protein change: p.Gly601Cys; replaces glycine 601 with cysteine.
Molecular consequence: missense variant. On other transcripts: intron variant (1).
Genome position (GRCh38, 1-based): chr17:65,536,975, C>A on the plus strand (G>T on the coding strand, the complement: AXIN2 is on the minus strand). VCF-style: chr17-65536975-C-A. GRCh37 (hg19) VCF-style: chr17-63533093-C-A.
Other names: c.1801G>T (LRG_296t1); c.1712+349G>T (NM_001363813.1); short protein forms G601C.
Identifiers: ClinVar variation 575900 (VCV000575900.7), dbSNP rs750354919, ClinGen allele CA293098007.

ClinVar aggregate classification (germline): Uncertain significance. Review status: criteria provided, multiple submitters, no conflicts (2 of 4 stars). 2 submissions from 2 submitters: Uncertain significance (2). Last evaluated 2025-06-03.

Conditions:
Oligodontia-cancer predisposition syndrome. Also called: TOOTH AGENESIS-COLORECTAL CANCER SYNDROME. Identifiers: Orphanet 300576, MedGen C1837750, MONDO:0012075, OMIM 608615. Disease mechanism: loss of function.
Hereditary cancer-predisposing syndrome. Also called: Tumor predisposition; Hereditary neoplastic syndrome; Hereditary Cancer Syndrome; Neoplastic Syndromes, Hereditary. Identifiers: Orphanet 140162, MedGen C0027672, MeSH D009386, MONDO:0015356.

Allele frequency attached by ClinVar (database versions not stated): gnomAD 0.00001; TOPMed 0.00002.
gnomAD v4.1: 3 of 1,612,874 alleles (0.00019%); highest among the groups gnomAD compares: African/African-American, 0.004%; no homozygotes.

Submissions (2):

Labcorp Genetics (formerly Invitae), Labcorp
Classification: Uncertain significance for Oligodontia-cancer predisposition syndrome. Last evaluated: 2025-06-03. Review status: criteria provided, single submitter. Criteria: Invitae Variant Classification Sherloc (09022015). Collection method: clinical testing. Allele origin: germline.
Comment: This sequence change replaces glycine, which is neutral and non-polar, with cysteine, which is neutral and slightly polar, at codon 601 of the AXIN2 protein (p.Gly601Cys). This variant is present in population databases (no rsID available, gnomAD 0.007%). This variant has not been reported in the literature in individuals affected with AXIN2-related conditions. ClinVar contains an entry for this variant (Variation ID: 575900). An algorithm developed to predict the effect of missense changes on protein structure and function (PolyPhen-2) suggests that this variant is likely to be disruptive. In summary, the available evidence is currently insufficient to determine the role of this variant in disease. Therefore, it has been classified as a Variant of Uncertain Significance.

Ambry Genetics
Classification: Uncertain significance for Hereditary cancer-predisposing syndrome. Last evaluated: 2024-04-27. Review status: criteria provided, single submitter. Criteria: Ambry Variant Classification Scheme 2023. Collection method: clinical testing. Allele origin: germline.
Comment: The p.G601C variant (also known as c.1801G>T), located in coding exon 6 of the AXIN2 gene, results from a G to T substitution at nucleotide position 1801. The glycine at codon 601 is replaced by cysteine, an amino acid with highly dissimilar properties. This amino acid position is conserved. In addition, this alteration is predicted to be tolerated by in silico analysis. Based on the available evidence, the clinical significance of this variant remains unclear.